The following is an entry in ClinVar:

ClinVar aggregate classification (germline): Conflicting classifications of pathogenicity. Review status: criteria provided, conflicting classifications (1 of 4 stars). 6 submissions from 6 submitters: Uncertain significance (3); Likely benign (1). 2 of the submissions do not count toward it. Last evaluated 2025-07-07.

Conditions:
Hereditary cancer-predisposing syndrome. Also called: Hereditary Cancer Syndrome; Hereditary neoplastic syndrome; Neoplastic Syndromes, Hereditary; Tumor predisposition. Identifiers: Orphanet 140162, MedGen C0027672, MeSH D009386, MONDO:0015356.
Hereditary breast ovarian cancer syndrome. Also called: BRCA1- and BRCA2-Associated Hereditary Breast and Ovarian Cancer; Hereditary breast and ovarian cancer syndrome; Hereditary breast and ovarian cancer syndrome (HBOC); Breast and ovarian cancer; Hereditary breast and/or ovarian cancer syndrome; Hereditary breast and ovarian cancer. Identifiers: Orphanet 145, MedGen C0677776, MeSH D061325, MONDO:0003582. Disease mechanism: loss of function.
Breast-ovarian cancer, familial, susceptibility to, 1 (BROVCA1). Also called: BRCA1 Hereditary Breast and Ovarian Cancer; OVARIAN CANCER, SUSCEPTIBILITY TO. Identifiers: Orphanet 145, MedGen C2676676, MONDO:0011450, OMIM 604370. Disease mechanism: loss of function.

Allele frequency attached by ClinVar (database versions not stated): gnomAD exomes below 0.00001.
gnomAD v4.1: 1 of 1,613,616 alleles (0.000062%); highest among the groups gnomAD compares: South Asian, 0.0011%; no homozygotes.

Submissions (6):

Labcorp Genetics (formerly Invitae), Labcorp
Classification: Uncertain significance for Hereditary breast ovarian cancer syndrome. Last evaluated: 2025-07-07. Review status: criteria provided, single submitter. Criteria: Invitae Variant Classification Sherloc (09022015). Collection method: clinical testing. Allele origin: germline.
Comment: This sequence change replaces threonine, which is neutral and polar, with isoleucine, which is neutral and non-polar, at codon 1485 of the BRCA1 protein (p.Thr1485Ile). This variant is not present in population databases (gnomAD no frequency). This missense change has been observed in individual(s) with ovarian cancer (PMID: 24321281). ClinVar contains an entry for this variant (Variation ID: 55203). Invitae Evidence Modeling of protein sequence and biophysical properties (such as structural, functional, and spatial information, amino acid conservation, physicochemical variation, residue mobility, and thermodynamic stability) indicates that this missense variant is not expected to disrupt BRCA1 protein function with a negative predictive value of 95%. Experimental studies are conflicting or provide insufficient evidence to determine the effect of this variant on BRCA1 function (PMID: 28781887, 32546644). In summary, the available evidence is currently insufficient to determine the role of this variant in disease. Therefore, it has been classified as a Variant of Uncertain Significance.

Quest Diagnostics Nichols Institute San Juan Capistrano
Classification: Uncertain significance. Last evaluated: 2021-06-18. Review status: criteria provided, single submitter. Criteria: Quest Diagnostics criteria. Collection method: clinical testing. Allele origin: unknown.

Ambry Genetics
Classification: Likely benign for Hereditary cancer-predisposing syndrome. Last evaluated: 2020-06-12. Review status: criteria provided, single submitter. Criteria: Ambry Variant Classification Scheme 2023. Collection method: clinical testing. Allele origin: germline.

Women's Health and Genetics/Laboratory Corporation of America, LabCorp
Classification: Uncertain significance. Last evaluated: 2017-10-05. Review status: criteria provided, single submitter. Criteria: LabCorp Variant Classification Summary - May 2015. Collection method: clinical testing. Allele origin: germline.
Comment: Variant summary: The BRCA1 c.4454C>T (p.Thr1485Ile) variant involves the alteration of a non-conserved nucleotide. 2/4 in silico tools predict a benign outcome for this variant (SNPsandGO not captured due to low reliability index). This variant is absent in 246062 control chromosomes (gnomAD). In literature, this variant has been reported in one ovarian cancer patient without strong evidence for or against pathogenicity (Li_2013). In vitro functional analysis showed that this variant leads to increased transcriptional activity due to which the authors classified it as likely not pathogenic (Woods_2016). Multiple clinical diagnostic laboratories/reputable databases have classified this variant as uncertain significance. Taken together, this variant is currently classified as Variant of Unknown Significance.

Sharing Clinical Reports Project (SCRP)
Classification: Uncertain significance for Breast-ovarian cancer, familial 1. Last evaluated: 2009-12-22. Review status: no assertion criteria provided. Collection method: clinical testing. Allele origin: germline. Not counted in ClinVar's aggregate classification.

Breast Cancer Information Core (BIC) (BRCA1)
Classification: Uncertain significance for Breast-ovarian cancer, familial 1. Review status: no assertion criteria provided. Collection method: clinical testing. Allele origin: germline. Affected: yes. Observed: 1 variant allele. Not counted in ClinVar's aggregate classification.

Literature cited by the submitters: PubMed 24321281 (cited by 4 submitters); PubMed 28781887 (cited by 3 submitters); PubMed 32546644 (cited by Labcorp Genetics (formerly Invitae), Labcorp and Quest Diagnostics Nichols Institute San Juan Capistrano); PubMed 15235020 (cited by 3 submitters); PubMed 24629067 (cited by Ambry Genetics and Women's Health and Genetics/Laboratory Corporation of America, LabCorp); PubMed 25323003 (cited by Ambry Genetics); PubMed 25348012 (cited by Ambry Genetics); PubMed 29884841 (cited by Ambry Genetics); PubMed 15385441 (cited by Women's Health and Genetics/Laboratory Corporation of America, LabCorp).

NM_007294.4(BRCA1):c.4454C>T (p.Thr1485Ile)

Gene: BRCA1 (BRCA1 DNA repair associated; minus strand). Cytogenetic location: 17q21.31.
Variant type: single nucleotide variant.
Coding change: c.4454C>T on transcript NM_007294.4 (MANE Select); coding-DNA position 4454, C replaced by T.
Protein change: p.Thr1485Ile; replaces threonine 1485 with isoleucine.
Molecular consequence: missense variant. On other transcripts: non-coding transcript variant (1).
Genome position (GRCh38, 1-based): chr17:43,076,518, G>A on the plus strand (C>T on the coding strand, the complement: BRCA1 is on the minus strand). VCF-style: chr17-43076518-G-A. GRCh37 (hg19) VCF-style: chr17-41228535-G-A.
Other names: 4573C>T; c.4115C>T, p.Thr1372Ile (NM_001407958.1, NM_001407956.1, NM_001407957.1); c.4073C>T, p.Thr1358Ile (NM_001407959.1); c.4070C>T, p.Thr1357Ile (NM_001407960.1, NM_001407962.1); c.1064C>T, p.Thr355Ile (NM_001408415.1, NM_001408416.1, NM_001408412.1 and 2 more transcripts); c.1028C>T, p.Thr343Ile (NM_001408418.1, NM_001408419.1, NM_001408420.1); c.1025C>T, p.Thr342Ile (NM_001408421.1, NM_001408422.1, NM_001408423.1 and 1 more transcripts); c.1022C>T, p.Thr341Ile (NM_001408425.1, NM_001408426.1, NM_001408427.1 and 4 more transcripts); and 69 more; short protein forms T1485I, T1438I, T381I, T1506I, T1357I, T1373I, T1395I, T1415I.
Identifiers: ClinVar variation 55203 (VCV000055203.18), dbSNP rs80356870, ClinGen allele CA002857.